The following is an entry in ClinVar:

ClinVar aggregate classification (germline): Uncertain significance (1 of 4 stars; one submission).

gnomAD v4.1: 2 of 1,570,922 alleles (0.00013%); highest among the groups gnomAD compares: Non-Finnish European, 0.00017%; no homozygotes.

Submission:

Labcorp Genetics (formerly Invitae), Labcorp
Classification: Uncertain significance. Last evaluated: 2021-11-24. Review status: criteria provided, single submitter. Criteria: Invitae Variant Classification Sherloc (09022015). Collection method: clinical testing. Allele origin: germline.
Comment: In summary, the available evidence is currently insufficient to determine the role of this variant in disease. Therefore, it has been classified as a Variant of Uncertain Significance. Algorithms developed to predict the effect of missense changes on protein structure and function (SIFT, PolyPhen-2, Align-GVGD) all suggest that this variant is likely to be tolerated. This variant has not been reported in the literature in individuals affected with ABHD5-related conditions. This variant is not present in population databases (gnomAD no frequency). This sequence change replaces glutamic acid, which is acidic and polar, with lysine, which is basic and polar, at codon 5 of the ABHD5 protein (p.Glu5Lys).

NM_016006.6(ABHD5):c.13G>A (p.Glu5Lys)

Genes: ABHD5 (abhydrolase domain containing 5, lysophosphatidic acid acyltransferase; plus strand), ANO10 (anoctamin 10; minus strand). Cytogenetic location: 3p21.33.
Variant type: single nucleotide variant.
Coding change: c.13G>A on transcript NM_016006.6 (MANE Select); coding-DNA position 13, G replaced by A.
Protein change: p.Glu5Lys; replaces glutamic acid 5 with lysine.
Molecular consequence: missense variant. On other transcripts: non-coding transcript variant (1), intron variant (2).
Genome position (GRCh38, 1-based): chr3:43,691,005, G>A. VCF-style: chr3-43691005-G-A. GRCh37 (hg19) VCF-style: chr3-43732497-G-A.
Other names: c.13G>A, p.Glu5Lys (NM_001355186.2, NM_001365650.1); c.-12+512C>T (NM_001346469.2, NM_001346468.2); short protein forms E5K.
Identifiers: ClinVar variation 1399365 (VCV001399365.44), dbSNP rs2149587411, ClinGen allele CA352343598.